The following is an entry in ClinVar:

ClinVar aggregate classification (germline): Likely benign. Review status: criteria provided, multiple submitters, no conflicts (2 of 4 stars). 5 submissions from 5 submitters: Likely benign (3). 2 of the submissions do not count toward it. Last evaluated 2026-01-28.

Conditions:
CTSF-related disorder. Also called: CTSF-related condition.
Neuronal ceroid lipofuscinosis 13 (CLN13). Also called: CEROID LIPOFUSCINOSIS, NEURONAL, 13 (KUFS TYPE); CLN13 Disease. Identifiers: Orphanet 352709, Orphanet 79262, MedGen C3715049, MONDO:0014147, OMIM 615362.

Allele frequency attached by ClinVar (database versions not stated): 1000 Genomes Project 30x 0.00016; 1000 Genomes Project 0.00020; gnomAD 0.00025 and 0.00026; TOPMed 0.00029; ESP Exome Variant Server 0.00031; gnomAD exomes 0.00033 and 0.00035; ExAC 0.00041.

Submissions (5):

Labcorp Genetics (formerly Invitae), Labcorp
Classification: Likely benign for Neuronal ceroid lipofuscinosis 13. Last evaluated: 2026-01-28. Review status: criteria provided, single submitter. Criteria: Invitae Variant Classification Sherloc (09022015). Collection method: clinical testing. Allele origin: germline.

Blueprint Genetics
Classification: Likely benign. Last evaluated: 2024-11-17. Review status: criteria provided, single submitter. Criteria: ACMG Guidelines, 2015. Collection method: clinical testing. Allele origin: germline.

GeneDx
Classification: Likely benign. Last evaluated: 2020-06-22. Review status: criteria provided, single submitter. Criteria: GeneDx Variant Classification Process June 2021. Collection method: clinical testing. Allele origin: germline. Affected: yes.
Comment: This variant is associated with the following publications: (PMID: 27524508)

PreventionGenetics, part of Exact Sciences
Classification: Likely benign for CTSF-related condition. Last evaluated: 2024-04-16. Review status: no assertion criteria provided. Collection method: clinical testing. Allele origin: germline. Not counted in ClinVar's aggregate classification.
Comment: This variant is classified as likely benign based on ACMG/AMP sequence variant interpretation guidelines (Richards et al. 2015 PMID: 25741868, with internal and published modifications).

Mayo Clinic Laboratories, Mayo Clinic
Classification: Uncertain significance. Last evaluated: 2015-12-16. Review status: no assertion criteria provided. Collection method: clinical testing. Allele origin: unknown. Not counted in ClinVar's aggregate classification.

NM_003793.4(CTSF):c.214-6C>T

Gene: CTSF (cathepsin F; minus strand). Cytogenetic location: 11q13.2.
Variant type: single nucleotide variant.
Coding change: c.214-6C>T on transcript NM_003793.4 (MANE Select); 6 bases into the intron before coding-DNA position 214, C replaced by T.
Molecular consequence: intron variant.
Genome position (GRCh38, 1-based): chr11:66,568,088, G>A on the plus strand (C>T on the coding strand, the complement: CTSF is on the minus strand). VCF-style: chr11-66568088-G-A. GRCh37 (hg19) VCF-style: chr11-66335559-G-A.
Identifiers: ClinVar variation 558828 (VCV000558828.17), dbSNP rs376579629, ClinGen allele CA6125685.